The following is an entry in ClinVar:

ClinVar aggregate classification (germline): Uncertain significance (1 of 4 stars; one submission).

Conditions:
Fanconi anemia (FA). Also called: Fanconi's anemia. Identifiers: Orphanet 84, MedGen C0015625, MeSH D005199, MONDO:0019391.

Submission:

Labcorp Genetics (formerly Invitae), Labcorp
Classification: Uncertain significance for Fanconi anemia. Last evaluated: 2022-09-26. Review status: criteria provided, single submitter. Criteria: Invitae Variant Classification Sherloc (09022015). Collection method: clinical testing. Allele origin: germline.
Comment: This sequence change replaces asparagine, which is neutral and polar, with lysine, which is basic and polar, at codon 143 of the FANCI protein (p.Asn143Lys). This variant is not present in population databases (gnomAD no frequency). This variant has not been reported in the literature in individuals affected with FANCI-related conditions. ClinVar contains an entry for this variant (Variation ID: 1433877). Advanced modeling of protein sequence and biophysical properties (such as structural, functional, and spatial information, amino acid conservation, physicochemical variation, residue mobility, and thermodynamic stability) performed at Invitae indicates that this missense variant is not expected to disrupt FANCI protein function. In summary, the available evidence is currently insufficient to determine the role of this variant in disease. Therefore, it has been classified as a Variant of Uncertain Significance.

NM_001113378.2(FANCI):c.429T>A (p.Asn143Lys)

Gene: FANCI (FA complementation group I; plus strand). Cytogenetic location: 15q26.1.
Variant type: single nucleotide variant.
Coding change: c.429T>A on transcript NM_001113378.2 (MANE Select); coding-DNA position 429, T replaced by A.
Protein change: p.Asn143Lys; replaces asparagine 143 with lysine.
Molecular consequence: missense variant.
Genome position (GRCh38, 1-based): chr15:89,261,725, T>A. VCF-style: chr15-89261725-T-A. GRCh37 (hg19) VCF-style: chr15-89804956-T-A.
Other names: c.150T>A, p.Asn50Lys (NM_001376910.1); c.429T>A, p.Asn143Lys (NM_001376911.1, NM_018193.3); short protein forms N50K, N143K.
Identifiers: ClinVar variation 1433877 (VCV001433877.8), dbSNP rs2052718668, ClinGen allele CA393738451.
Genomic context (GRCh38, chr15:89,261,725, plus strand): 5'-TGGAAAATCTTTGGAGTTACTACCTATCATTCTCACTGCCCTGGCTACGAAAAAGGAAAA[T>A]CTGGCTTATGGAAAAGGTAATTTTCTTCCGACTTTAGTGGCTTTTTCTCTATGCACATAA-3'
Protein context (NP_001106849.1, residues 133-153): ILTALATKKE[Asn143Lys]LAYGKGVLSG